The following is an entry in ClinVar:

NM_000548.5(TSC2):c.1967A>G (p.Glu656Gly)

Gene: TSC2 (TSC complex subunit 2; plus strand). Cytogenetic location: 16p13.3.
Variant type: single nucleotide variant.
Coding change: c.1967A>G on transcript NM_000548.5 (MANE Select); coding-DNA position 1967, A replaced by G.
Protein change: p.Glu656Gly; replaces glutamic acid 656 with glycine.
Molecular consequence: missense variant.
Genome position (GRCh38, 1-based): chr16:2,071,804, A>G. VCF-style: chr16-2071804-A-G. GRCh37 (hg19) VCF-style: chr16-2121805-A-G.
Other names: c.1967A>G, p.Glu656Gly (NM_021055.3, NM_001077183.3, NM_001114382.3 and 3 more transcripts); c.1856A>G, p.Glu619Gly (NM_001318827.2); c.1820A>G, p.Glu607Gly (NM_001318829.2); c.1367A>G, p.Glu456Gly (NM_001318831.2); c.2000A>G, p.Glu667Gly (NM_001318832.2); short protein forms E619G, E607G, E456G, E656G, E667G.
Identifiers: ClinVar variation 936033 (VCV000936033.9), dbSNP rs2088449468, ClinGen allele CA394274320.

ClinVar aggregate classification (germline): Uncertain significance (1 of 4 stars; one submission).

Conditions:
Tuberous sclerosis 2 (TSC2). Identifiers: Orphanet 805, MedGen C1860707, MONDO:0013199, OMIM 613254.

Submission:

Labcorp Genetics (formerly Invitae), Labcorp
Classification: Uncertain significance for Tuberous sclerosis 2. Last evaluated: 2019-09-13. Review status: criteria provided, single submitter. Criteria: Invitae Variant Classification Sherloc (09022015). Collection method: clinical testing. Allele origin: germline.
Comment: This sequence change replaces glutamic acid with glycine at codon 656 of the TSC2 protein (p.Glu656Gly). The glutamic acid residue is highly conserved and there is a moderate physicochemical difference between glutamic acid and glycine. This variant is not present in population databases (ExAC no frequency). This variant has not been reported in the literature in individuals with TSC2-related conditions. Algorithms developed to predict the effect of missense changes on protein structure and function are either unavailable or do not agree on the potential impact of this missense change (SIFT: "Deleterious"; PolyPhen-2: "Benign"; Align-GVGD: "Class C0"). In summary, the available evidence is currently insufficient to determine the role of this variant in disease. Therefore, it has been classified as a Variant of Uncertain Significance.